The following is an entry in ClinVar:

NM_007078.3(LDB3):c.501C>A (p.Ser167Arg)

Gene: LDB3 (LIM domain binding 3; plus strand). Cytogenetic location: 10q23.2.
Variant type: single nucleotide variant.
Coding change: c.501C>A on transcript NM_007078.3 (MANE Select); coding-DNA position 501, C replaced by A.
Protein change: p.Ser167Arg; replaces serine 167 with arginine.
Molecular consequence: missense variant. On other transcripts: intron variant (5).
Genome position (GRCh38, 1-based): chr10:86,681,615, C>A. VCF-style: chr10-86681615-C-A. GRCh37 (hg19) VCF-style: chr10-88441372-C-A.
Other names: c.501C>A, p.Ser167Arg (NM_001368063.1, NM_001368064.1, NM_001368065.1 and 3 more transcripts); c.321+1458C>A (NM_001368067.1, NM_001080116.1, NM_001368068.1 and 2 more transcripts); short protein forms S167R.
Identifiers: ClinVar variation 1116735 (VCV001116735.9), dbSNP rs1183240131, ClinGen allele CA377454111.
Genomic context (GRCh38, chr10:86,681,615, plus strand): 5'-CCGGCCCTCCGCCTTCTCCTCACTCGCCGAGGCCTCTGACCCTGGCCCTCCGCGGGCCAG[C>A]CTGAGGGCCAAGACCAGCCCAGAGGGGGCCCGGGACCTACTCGGCCCAAAAGCCCTGCCG-3'
Protein context (NP_009009.1, residues 157-177): EASDPGPPRA[Ser167Arg]LRAKTSPEGA

ClinVar aggregate classification (germline): Uncertain significance (1 of 4 stars; one submission).

Conditions:
Myofibrillar myopathy 4. Also called: Zaspopathy (type). Identifiers: Orphanet 98912, MedGen C4721886, MONDO:0012277, OMIM 609452.

Allele frequency attached by ClinVar (database versions not stated): gnomAD 0.00001; TOPMed 0.00001; gnomAD exomes below 0.00001.
gnomAD v4.1: 3 of 1,612,994 alleles (0.00019%); highest among the groups gnomAD compares: East Asian, 0.0045%; no homozygotes.

Submission:

Labcorp Genetics (formerly Invitae), Labcorp
Classification: Uncertain significance for Myofibrillar myopathy 4. Last evaluated: 2024-01-08. Review status: criteria provided, single submitter. Criteria: Invitae Variant Classification Sherloc (09022015). Collection method: clinical testing. Allele origin: germline.
Comment: The LDB3 gene has multiple clinically relevant transcripts. This variant occurs in alternate transcript NM_007078.3, and corresponds to NM_001080116.1:c.321+1458C>A in the primary transcript. This sequence change replaces serine, which is neutral and polar, with arginine, which is basic and polar, at codon 167 of the LDB3 protein (p.Ser167Arg). This variant is present in population databases (no rsID available, gnomAD 0.01%). This variant has not been reported in the literature in individuals affected with LDB3-related conditions. ClinVar contains an entry for this variant (Variation ID: 1116735). Experimental studies and prediction algorithms are not available or were not evaluated, and the functional significance of this variant is currently unknown. Algorithms developed to predict the effect of sequence changes on RNA splicing suggest that this variant is not likely to affect RNA splicing. In summary, the available evidence is currently insufficient to determine the role of this variant in disease. Therefore, it has been classified as a Variant of Uncertain Significance.